The following is an entry in ClinVar:

NM_001007467.3(SFI1):c.2697C>T (p.Ser899=)

Gene: SFI1 (SFI1 centrin binding protein; plus strand). Cytogenetic location: 22q12.2.
Variant type: single nucleotide variant.
Coding change: c.2697C>T on transcript NM_001007467.3 (MANE Select); coding-DNA position 2697, C replaced by T.
Protein change: p.Ser899=; no amino-acid change (serine 899 retained).
Molecular consequence: synonymous variant.
Genome position (GRCh38, 1-based): chr22:31,613,485, C>T. VCF-style: chr22-31613485-C-T. GRCh37 (hg19) VCF-style: chr22-32009471-C-T.
Other names: NC_000022.10:g.32009471C>T; c.2532C>T, p.Ser844= (NM_001258325.1); c.2451C>T, p.Ser817= (NM_001258326.2); c.2415C>T, p.Ser805= (NM_001258327.2); c.2604C>T, p.Ser868= (NM_014775.4).
Identifiers: ClinVar variation 2653071 (VCV002653071.25), dbSNP rs375385233, ClinGen allele CA10193996.

ClinVar aggregate classification (germline): Likely benign (1 of 4 stars; one submission).

Allele frequency attached by ClinVar (database versions not stated): 1000 Genomes Project 30x 0.00016; ESP Exome Variant Server 0.00016; ExAC 0.00019; 1000 Genomes Project 0.00020; TOPMed 0.00030; gnomAD 0.00033; gnomAD exomes 0.00033.
gnomAD v4.1: 523 of 1,598,414 alleles (0.033%); highest among the groups gnomAD compares: Admixed American, 0.064%; 1 homozygote.

Submissions (2):

CeGaT Center for Human Genetics Tuebingen
Classification: Likely benign. Last evaluated: 2023-04-01. Review status: criteria provided, single submitter. Criteria: CeGaT Center For Human Genetics Tuebingen Variant Classification Criteria Version 2. Collection method: clinical testing. Allele origin: germline. Affected: yes. Observed: 1 variant allele.
Comment: SFI1: BP4, BP7

Dr. Peter K. Rogan Lab, Western University
No classification provided (evidence only). Condition: Uterine corpus endometrial carcinoma. Review status: no classification provided. Collection method: in vitro. Allele origin: not applicable. Functional consequence: retained intron. Not counted in ClinVar's aggregate classification.